The following is an entry in ClinVar:

ClinVar aggregate classification (germline): Uncertain significance. Review status: criteria provided, multiple submitters, no conflicts (2 of 4 stars). 5 submissions from 5 submitters: Uncertain significance (4). 1 of the submissions does not count toward it. Last evaluated 2026-02-01.

Conditions:
Inborn genetic diseases. Identifiers: MedGen C0950123, MeSH D030342.
Glycogen storage disease type III (GSD3). Also called: Cori disease; FORBES DISEASE. Identifiers: Orphanet 366, MedGen C0017922, MONDO:0009291, OMIM 232400.

Allele frequency attached by ClinVar (database versions not stated): ExAC 0.00001; gnomAD 0.00001; gnomAD exomes 0.00001; TOPMed 0.00003.
gnomAD v4.1: 24 of 1,612,674 alleles (0.0015%); highest among the groups gnomAD compares: Admixed American, 0.0067%; no homozygotes.

Submissions (5):

Labcorp Genetics (formerly Invitae), Labcorp
Classification: Uncertain significance for Glycogen storage disease type III. Last evaluated: 2026-02-01. Review status: criteria provided, single submitter. Criteria: Invitae Variant Classification Sherloc (09022015). Collection method: clinical testing. Allele origin: germline.
Comment: This sequence change replaces asparagine, which is neutral and polar, with serine, which is neutral and polar, at codon 1438 of the AGL protein (p.Asn1438Ser). This variant is present in population databases (rs766592371, gnomAD 0.003%). This variant has not been reported in the literature in individuals affected with AGL-related conditions. ClinVar contains an entry for this variant (Variation ID: 1042178). Invitae Evidence Modeling of protein sequence and biophysical properties (such as structural, functional, and spatial information, amino acid conservation, physicochemical variation, residue mobility, and thermodynamic stability) indicates that this missense variant is not expected to disrupt AGL protein function with a negative predictive value of 80%. In summary, the available evidence is currently insufficient to determine the role of this variant in disease. Therefore, it has been classified as a Variant of Uncertain Significance.

Ambry Genetics
Classification: Uncertain significance for Inborn genetic diseases. Last evaluated: 2025-04-07. Review status: criteria provided, single submitter. Criteria: Ambry Variant Classification Scheme 2023. Collection method: clinical testing. Allele origin: germline.

Genome-Nilou Lab
Classification: Uncertain significance for Glycogen storage disease type III. Last evaluated: 2023-04-11. Review status: criteria provided, single submitter. Criteria: ACMG Guidelines, 2015. Collection method: clinical testing. Allele origin: germline. Affected: no.

Fulgent Genetics
Classification: Uncertain significance for Glycogen storage disease type III. Last evaluated: 2021-09-22. Review status: criteria provided, single submitter. Criteria: ACMG Guidelines, 2015. Collection method: clinical testing. Allele origin: unknown.

Natera, Inc.
Classification: Uncertain significance for Glycogen storage disease type III. Last evaluated: 2020-03-11. Review status: no assertion criteria provided. Collection method: clinical testing. Allele origin: germline. Not counted in ClinVar's aggregate classification.

NM_000642.3(AGL):c.4313A>G (p.Asn1438Ser)

Gene: AGL (amylo-alpha-1,6-glucosidase and 4-alpha-glucanotransferase; plus strand). Cytogenetic location: 1p21.2.
Variant type: single nucleotide variant.
Coding change: c.4313A>G on transcript NM_000642.3 (MANE Select); coding-DNA position 4313, A replaced by G.
Protein change: p.Asn1438Ser; replaces asparagine 1438 with serine.
Molecular consequence: missense variant.
Genome position (GRCh38, 1-based): chr1:99,916,463, A>G. VCF-style: chr1-99916463-A-G. GRCh37 (hg19) VCF-style: chr1-100382019-A-G.
Other names: c.4265A>G, p.Asn1422Ser (NM_000646.3); c.4313A>G, p.Asn1438Ser (NM_001425325.1, NM_000028.3, NM_000643.3 and 1 more transcripts); c.3974A>G, p.Asn1325Ser (NM_001425329.1); c.3935A>G, p.Asn1312Ser (NM_001425332.1); c.4292A>G, p.Asn1431Ser (NM_001425326.1); c.4112A>G, p.Asn1371Ser (NM_001425327.1); c.4109A>G, p.Asn1370Ser (NM_001425328.1); c.4313A>G (NM_000642.2); short protein forms N1438S, N1422S, N1312S, N1325S, N1370S, N1371S, N1431S.
Identifiers: ClinVar variation 1042178 (VCV001042178.10), dbSNP rs766592371, ClinGen allele CA967398.